The following is an entry in ClinVar:

NM_006941.4(SOX10):c.512A>T (p.Tyr171Phe)

Genes: POLR2F (RNA polymerase II, I and III subunit F; plus strand), SOX10 (SRY-box transcription factor 10; minus strand). Cytogenetic location: 22q13.1.
Variant type: single nucleotide variant.
Coding change: c.512A>T on transcript NM_006941.4 (MANE Select); coding-DNA position 512, A replaced by T.
Protein change: p.Tyr171Phe; replaces tyrosine 171 with phenylalanine.
Molecular consequence: missense variant. On other transcripts: intron variant (3).
Genome position (GRCh38, 1-based): chr22:37,978,052, T>A on the plus strand (A>T on the coding strand, the complement: SOX10 is on the minus strand). VCF-style: chr22-37978052-T-A. GRCh37 (hg19) VCF-style: chr22-38374059-T-A.
Other names: c.*38+5742T>A (NM_001363825.1); c.294-8102T>A (NM_001301130.2); c.293+10882T>A (NM_001301131.2); short protein forms Y171F.
Identifiers: ClinVar variation 3349708 (VCV003349708.1).

ClinVar aggregate classification (germline): Uncertain significance (0 of 4 stars; one submission).

Conditions:
SOX10-related disorder. Also called: SOX10-related condition.

Submission:

PreventionGenetics, part of Exact Sciences
Classification: Uncertain significance for SOX10-related condition. Last evaluated: 2024-03-21. Review status: no assertion criteria provided. Collection method: clinical testing. Allele origin: germline.
Comment: The SOX10 c.512A>T variant is predicted to result in the amino acid substitution p.Tyr171Phe. To our knowledge, this variant has not been reported in the literature or in a large population database, indicating this variant is rare. At this time, the clinical significance of this variant is uncertain due to the absence of conclusive functional and genetic evidence.